The following is an entry in ClinVar:

ClinVar aggregate classification (germline): Uncertain significance (1 of 4 stars; one submission).

Conditions:
Familial adenomatous polyposis 1 (FAP1). Also called: POLYPOSIS, ADENOMATOUS INTESTINAL; FAMILIAL ADENOMATOUS POLYPOSIS 1, ATTENUATED. Identifiers: MedGen C2713442, MONDO:0021056, OMIM 175100. Disease mechanism: loss of function.

Submission:

Labcorp Genetics (formerly Invitae), Labcorp
Classification: Uncertain significance for Familial adenomatous polyposis 1. Last evaluated: 2020-08-11. Review status: criteria provided, single submitter. Criteria: Invitae Variant Classification Sherloc (09022015). Collection method: clinical testing. Allele origin: germline.
Comment: Algorithms developed to predict the effect of missense changes on protein structure and function are either unavailable or do not agree on the potential impact of this missense change (SIFT: "Not Available"; PolyPhen-2: "Probably Damaging"; Align-GVGD: "Not Available"). Algorithms developed to predict the effect of sequence changes on RNA splicing suggest that this variant may create or strengthen a splice site, but this prediction has not been confirmed by published transcriptional studies. In summary, the available evidence is currently insufficient to determine the role of this variant in disease. Therefore, it has been classified as a Variant of Uncertain Significance. This variant has not been reported in the literature in individuals with APC-related conditions. The frequency data for this variant in the population databases is not available, as this variant may be reported as separate entries in the ExAC database. This sequence change replaces lysine with serine at codon 1734 of the APC protein (p.Lys1734Ser). The lysine residue is highly conserved and there is a moderate physicochemical difference between lysine and serine.

NM_000038.6(APC):c.5201_5202delinsGT (p.Lys1734Ser)

Gene: APC (APC regulator of Wnt signaling pathway; plus strand). Cytogenetic location: 5q22.2.
Variant type: Indel.
Coding change: c.5201_5202delinsGT on transcript NM_000038.6 (MANE Select); coding-DNA positions 5201 to 5202, AA replaced by GT.
Protein change: p.Lys1734Ser; replaces lysine 1734 with serine.
Molecular consequence: missense variant.
Genome position (GRCh38, 1-based): chr5:112,840,795-112,840,796, AA replaced by GT. VCF-style: chr5-112840795-AA-GT. GRCh37 (hg19) VCF-style: chr5-112176492-AA-GT.
Other names: c.5201_5202delinsGT, p.Lys1734Ser (NM_001127510.3, NM_001354895.2); c.5147_5148delinsGT, p.Lys1716Ser (NM_001127511.3); c.5255_5256delinsGT, p.Lys1752Ser (NM_001354896.2); c.5231_5232delinsGT, p.Lys1744Ser (NM_001354897.2); c.5126_5127delinsGT, p.Lys1709Ser (NM_001354898.2); c.5117_5118delinsGT, p.Lys1706Ser (NM_001354899.2); c.5078_5079delinsGT, p.Lys1693Ser (NM_001354900.2); c.5024_5025delinsGT, p.Lys1675Ser (NM_001354901.2); and 5 more; short protein forms K1451S, K1574S, K1608S, K1633S, K1643S, K1675S, K1693S, K1706S.
Identifiers: ClinVar variation 1018845 (VCV001018845.8), dbSNP rs1765876709, ClinGen allele CA1573474669.